The following is an entry in ClinVar:

ClinVar aggregate classification (germline): Likely pathogenic (1 of 4 stars; one submission).

Submission:

CeGaT Center for Human Genetics Tuebingen
Classification: Likely pathogenic. Last evaluated: 2024-10-01. Review status: criteria provided, single submitter. Criteria: CeGaT Center For Human Genetics Tuebingen Variant Classification Criteria Version 2. Collection method: clinical testing. Allele origin: germline. Affected: yes. Observed: 2 variant alleles.
Comment: NDP: PM1, PM2, PM5:Supporting, PP3, PP4

NM_000266.4(NDP):c.276_278delinsATA (p.Cys93Tyr)

Genes: NDP (norrin cystine knot growth factor NDP; minus strand), NDP-AS1 (NDP antisense RNA 1; plus strand). Cytogenetic location: Xp11.3.
Variant type: Indel.
Coding change: c.276_278delinsATA on transcript NM_000266.4 (MANE Select); coding-DNA positions 276 to 278, CTG replaced by ATA.
Protein change: p.Cys93Tyr; replaces cysteine 93 with tyrosine.
Molecular consequence: missense variant. On other transcripts: non-coding transcript variant (1).
Genome position (GRCh38, 1-based): chrX:43,949,923-43,949,925, CAG replaced by TAT on the plus strand (CTG replaced by ATA on the coding strand, the reverse complement: NDP is on the minus strand). VCF-style: chrX-43949923-CAG-TAT. GRCh37 (hg19) VCF-style: chrX-43809169-CAG-TAT.
Other names: short protein forms C93Y.
Identifiers: ClinVar variation 1701597 (VCV001701597.31), dbSNP rs2147204771, ClinGen allele CA2580100956.